The following is an entry in ClinVar:

NM_172245.4(CSF2RA):c.1125+8G>A

Gene: CSF2RA (colony stimulating factor 2 receptor subunit alpha; plus strand). Cytogenetic location: Xp22.33.
Variant type: single nucleotide variant.
Coding change: c.1125+8G>A on transcript NM_172245.4 (MANE Select); 8 bases into the intron after coding-DNA position 1125, G replaced by A.
Molecular consequence: intron variant.
Genome position (GRCh38, 1-based): chrX:1,305,535, G>A. VCF-style: chrX-1305535-G-A. GRCh37 (hg19) VCF-style: chrX-1424428-G-A.
Other names: c.1125+8G>A (NM_001379163.1, NM_001379159.1, NM_001379162.1 and 9 more transcripts); c.*26+8G>A (NM_001379167.1, NM_001379169.1, NM_172249.4 and 2 more transcripts); c.1227+8G>A (NM_001379154.1, NM_001161530.2, NM_001379153.1); c.947-3867G>A (NM_172246.4); c.1095+8G>A (NM_001379160.1); c.936+8G>A (NM_001379166.1); c.726+8G>A (NM_001161532.2).
Identifiers: ClinVar variation 537347 (VCV000537347.35), dbSNP rs185631469, ClinGen allele CA10331196.

ClinVar aggregate classification (germline): Likely benign. Review status: criteria provided, multiple submitters, no conflicts (2 of 4 stars). 3 submissions from 3 submitters: Likely benign (3). Last evaluated 2025-10-21.

Conditions:
Surfactant metabolism dysfunction, pulmonary, 4 (SMDP4). Also called: CSF2RA DEFICIENCY; PAP DUE TO CSF2RA DEFICIENCY; PULMONARY ALVEOLAR PROTEINOSIS, CONGENITAL, 4. Identifiers: Orphanet 264675, MedGen C2677877, MONDO:0010424, OMIM 300770.

Allele frequency attached by ClinVar (database versions not stated): gnomAD 0.00015; TOPMed 0.00020; gnomAD exomes 0.00021 and 0.00028; 1000 Genomes Project 0.00026; ExAC 0.00027; ESP Exome Variant Server 0.00038; 1000 Genomes Project 30x 0.00042.
gnomAD v4.1: 440 of 1,614,018 alleles (0.027%); highest among the groups gnomAD compares: Middle Eastern, 0.05%; no homozygotes.

Submissions (3):

Labcorp Genetics (formerly Invitae), Labcorp
Classification: Likely benign for Surfactant metabolism dysfunction, pulmonary, 4. Last evaluated: 2025-10-21. Review status: criteria provided, single submitter. Criteria: Invitae Variant Classification Sherloc (09022015). Collection method: clinical testing. Allele origin: germline.

Blueprint Genetics
Classification: Likely benign. Last evaluated: 2024-10-23. Review status: criteria provided, single submitter. Criteria: ACMG Guidelines, 2015. Collection method: clinical testing. Allele origin: germline.

CeGaT Center for Human Genetics Tuebingen
Classification: Likely benign. Last evaluated: 2023-03-01. Review status: criteria provided, single submitter. Criteria: CeGaT Center For Human Genetics Tuebingen Variant Classification Criteria Version 2. Collection method: clinical testing. Allele origin: germline. Affected: yes. Observed: 1 variant allele.
Comment: CSF2RA: BP4, BS2